The following is an entry in ClinVar:

NM_001010867.4(IBA57):c.339C>T (p.Tyr113=)

Gene: IBA57 (iron-sulfur cluster assembly factor IBA57; plus strand). Cytogenetic location: 1q42.13.
Variant type: single nucleotide variant.
Coding change: c.339C>T on transcript NM_001010867.4 (MANE Select); coding-DNA position 339, C replaced by T.
Protein change: p.Tyr113=; no amino-acid change (tyrosine 113 retained).
Molecular consequence: synonymous variant.
Genome position (GRCh38, 1-based): chr1:228,166,155, C>T. VCF-style: chr1-228166155-C-T. GRCh37 (hg19) VCF-style: chr1-228353856-C-T.
Other names: c.339C>T (NM_001010867.3).
Identifiers: ClinVar variation 1980517 (VCV001980517.7), dbSNP rs376565647, ClinGen allele CA1431108.

ClinVar aggregate classification (germline): Likely benign. Review status: criteria provided, single submitter (1 of 4 stars). 2 submissions from 2 submitters: Likely benign (1). 1 of the submissions does not count toward it. Last evaluated 2025-07-22.

Conditions:
Hereditary spastic paraplegia 74. Also called: Spastic paraplegia 74, autosomal recessive. Identifiers: Orphanet 468661, MedGen C5568837, MONDO:0014644, OMIM 616451.
Multiple mitochondrial dysfunctions syndrome 3 (MMDS3). Identifiers: Orphanet 363424, MedGen C3809165, MONDO:0014132, OMIM 615330.
IBA57-related disorder. Also called: IBA57-related condition.

Allele frequency attached by ClinVar (database versions not stated): TOPMed 0.00028; ESP Exome Variant Server 0.00016; ExAC 0.00011.
gnomAD v4.1: 51 of 1,477,722 alleles (0.0035%); highest among the groups gnomAD compares: African/African-American, 0.062%; no homozygotes.

Submissions (3):

Labcorp Genetics (formerly Invitae), Labcorp
Classification: Likely benign for Multiple mitochondrial dysfunctions syndrome 3; Hereditary spastic paraplegia 74. Last evaluated: 2025-07-22. Review status: criteria provided, single submitter. Criteria: Invitae Variant Classification Sherloc (09022015). Collection method: clinical testing. Allele origin: germline.

PreventionGenetics, part of Exact Sciences
Classification: Likely benign for IBA57-related condition. Last evaluated: 2021-08-09. Review status: no assertion criteria provided. Collection method: clinical testing. Allele origin: germline. Not counted in ClinVar's aggregate classification.
Comment: This variant is classified as likely benign based on ACMG/AMP sequence variant interpretation guidelines (Richards et al. 2015 PMID: 25741868, with internal and published modifications).

Dr. Peter K. Rogan Lab, Western University
No classification provided (evidence only). Condition: Ovarian serous cystadenocarcinoma. Review status: no classification provided. Collection method: in vitro. Allele origin: not applicable. Functional consequence: retained intron. Not counted in ClinVar's aggregate classification.